The following is an entry in ClinVar:

NM_032634.4(PIGO):c.2124G>A (p.Leu708=)

Gene: PIGO (phosphatidylinositol glycan anchor biosynthesis class O; minus strand). Cytogenetic location: 9p13.3.
Variant type: single nucleotide variant.
Coding change: c.2124G>A on transcript NM_032634.4 (MANE Select); coding-DNA position 2124, G replaced by A.
Protein change: p.Leu708=; no amino-acid change (leucine 708 retained).
Molecular consequence: synonymous variant. On other transcripts: intron variant (2).
Genome position (GRCh38, 1-based): chr9:35,091,763, C>T on the plus strand (G>A on the coding strand, the complement: PIGO is on the minus strand). VCF-style: chr9-35091763-C-T. GRCh37 (hg19) VCF-style: chr9-35091760-C-T.
Other names: c.1345-472G>A (NM_152850.4, NM_001201484.2).
Identifiers: ClinVar variation 383109 (VCV000383109.11), dbSNP rs201657672, ClinGen allele CA5040493.

ClinVar aggregate classification (germline): Benign/Likely benign. Review status: criteria provided, multiple submitters, no conflicts (2 of 4 stars). 3 submissions from 3 submitters: Benign (1); Likely benign (2). Last evaluated 2024-06-23.

Conditions:
Hyperphosphatasia with impaired intellectual development syndrome 2. Also called: Hyperphosphatasia with intellectual disability syndrome 2; GLYCOSYLPHOSPHATIDYLINOSITOL BIOSYNTHESIS DEFECT 6. Identifiers: Orphanet 247262, MedGen C3553637, MONDO:0013882, OMIM 614749.

Allele frequency attached by ClinVar (database versions not stated): gnomAD 0.00095; TOPMed 0.00003; 1000 Genomes Project 30x 0.00016; gnomAD exomes 0.00036.
gnomAD v4.1: 652 of 1,612,062 alleles (0.04%); highest among the groups gnomAD compares: Non-Finnish European, 0.0075%; 3 homozygotes.

Submissions (3):

Labcorp Genetics (formerly Invitae), Labcorp
Classification: Benign for Hyperphosphatasia with impaired intellectual development syndrome 2. Last evaluated: 2024-06-23. Review status: criteria provided, single submitter. Criteria: Invitae Variant Classification Sherloc (09022015). Collection method: clinical testing. Allele origin: germline.

Blueprint Genetics
Classification: Likely benign. Last evaluated: 2024-03-24. Review status: criteria provided, single submitter. Criteria: ACMG Guidelines, 2015. Collection method: clinical testing. Allele origin: germline.

GeneDx
Classification: Likely benign. Last evaluated: 2016-02-04. Review status: criteria provided, single submitter. Criteria: GeneDx Variant Classification (06012015). Collection method: clinical testing. Allele origin: germline. Affected: yes.
Comment: This variant is considered likely benign or benign based on one or more of the following criteria: it is a conservative change, it occurs at a poorly conserved position in the protein, it is predicted to be benign by multiple in silico algorithms, and/or has population frequency not consistent with disease.